The following is an entry in ClinVar:

ClinVar aggregate classification (germline): Uncertain significance (1 of 4 stars; one submission).

Conditions:
Hereditary cancer-predisposing syndrome. Also called: Neoplastic Syndromes, Hereditary; Tumor predisposition; Hereditary Cancer Syndrome; Hereditary neoplastic syndrome. Identifiers: Orphanet 140162, MedGen C0027672, MeSH D009386, MONDO:0015356.

gnomAD v4.1: 1 of 1,612,742 alleles (0.000062%); no homozygotes.

Submission:

Ambry Genetics
Classification: Uncertain significance for Hereditary cancer-predisposing syndrome. Last evaluated: 2026-01-28. Review status: criteria provided, single submitter. Criteria: Ambry Variant Classification Scheme 2023. Collection method: clinical testing. Allele origin: germline.
Comment: The c.48+16G>T intronic variant results from a G to T substitution 16 nucleotides after coding exon 1 in the PALB2 gene. This nucleotide position is highly conserved in available vertebrate species. In silico splice site analysis predicts that this alteration will result in the creation or strengthening of a novel splice donor site; however, direct evidence is insufficient at this time (Ambry internal data). Based on the available evidence, the clinical significance of this variant remains unclear.

NM_024675.4(PALB2):c.48+16G>T

Gene: PALB2 (partner and localizer of BRCA2; minus strand). Cytogenetic location: 16p12.2.
Variant type: single nucleotide variant.
Coding change: c.48+16G>T on transcript NM_024675.4 (MANE Select); 16 bases into the intron after coding-DNA position 48, G replaced by T.
Molecular consequence: intron variant. On other transcripts: 5 prime UTR variant (2).
Genome position (GRCh38, 1-based): chr16:23,641,094, C>A on the plus strand (G>T on the coding strand, the complement: PALB2 is on the minus strand). VCF-style: chr16-23641094-C-A. GRCh37 (hg19) VCF-style: chr16-23652415-C-A.
Other names: c.-1680G>T (NM_001407304.1, NM_001407310.1); c.-838+33G>T (NM_001407308.1, NM_001407306.1); c.48+16G>T (NM_001407314.1, NM_001407296.1, NM_001407297.1 and 5 more transcripts); c.-105+16G>T (NM_001407313.1, NM_001407312.1); c.-972+16G>T (NM_001407307.1, NM_001407309.1, NM_001407311.1 and 1 more transcripts).
Identifiers: ClinVar variation 4825297 (VCV004825297.1).
Genomic context (GRCh38, chr16:23,641,094, plus strand): 5'-GGACACAAAGCCAGGCCTAAAACCCTGGGAAAGCGGGGTCAGAGTCCTGCGTCCGCCCTT[C>A]CCGCACCCCCGGCACCTTTTCCTTCTCCTCACAGCTGAGGGGCTTCCCGGGAGGCTCGTC-3'